The following is an entry in ClinVar:

NM_001348800.3(ZBTB20):c.1950C>G (p.Asn650Lys)

Gene: ZBTB20 (zinc finger and BTB domain containing 20; minus strand). Cytogenetic location: 3q13.31.
Variant type: single nucleotide variant.
Coding change: c.1950C>G on transcript NM_001348800.3 (MANE Select); coding-DNA position 1950, C replaced by G.
Protein change: p.Asn650Lys; replaces asparagine 650 with lysine.
Molecular consequence: missense variant. On other transcripts: non-coding transcript variant (1).
Genome position (GRCh38, 1-based): chr3:114,339,281, G>C on the plus strand (C>G on the coding strand, the complement: ZBTB20 is on the minus strand). VCF-style: chr3-114339281-G-C. GRCh37 (hg19) VCF-style: chr3-114058128-G-C.
Other names: c.1950C>G, p.Asn650Lys (NM_001164342.2, NM_001348803.3, NM_001393393.1 and 1 more transcripts); c.1731C>G, p.Asn577Lys (NM_001164343.2, NM_001164344.4, NM_001164345.4 and 9 more transcripts); short protein forms N577K, N650K.
Identifiers: ClinVar variation 4799739 (VCV004799739.1).

ClinVar aggregate classification (germline): Uncertain significance (1 of 4 stars; one submission).

Submission:

Labcorp Genetics (formerly Invitae), Labcorp
Classification: Uncertain significance. Last evaluated: 2025-09-03. Review status: criteria provided, single submitter. Criteria: Invitae Variant Classification Sherloc (09022015). Collection method: clinical testing. Allele origin: germline.
Comment: This sequence change replaces asparagine, which is neutral and polar, with lysine, which is basic and polar, at codon 650 of the ZBTB20 protein (p.Asn650Lys). This variant is not present in population databases (gnomAD no frequency). This variant has not been reported in the literature in individuals affected with ZBTB20-related conditions. Invitae Evidence Modeling of protein sequence and biophysical properties (such as structural, functional, and spatial information, amino acid conservation, physicochemical variation, residue mobility, and thermodynamic stability) indicates that this missense variant is not expected to disrupt ZBTB20 protein function with a negative predictive value of 95%. In summary, the available evidence is currently insufficient to determine the role of this variant in disease. Therefore, it has been classified as a Variant of Uncertain Significance.